The following is an entry in ClinVar:

NM_006922.4(SCN3A):c.2858A>G (p.Glu953Gly)

Gene: SCN3A (sodium voltage-gated channel alpha subunit 3; minus strand). Cytogenetic location: 2q24.3.
Variant type: single nucleotide variant.
Coding change: c.2858A>G on transcript NM_006922.4 (MANE Select); coding-DNA position 2858, A replaced by G.
Protein change: p.Glu953Gly; replaces glutamic acid 953 with glycine.
Molecular consequence: missense variant.
Genome position (GRCh38, 1-based): chr2:165,130,004, T>C on the plus strand (A>G on the coding strand, the complement: SCN3A is on the minus strand). VCF-style: chr2-165130004-T-C. GRCh37 (hg19) VCF-style: chr2-165986514-T-C.
Other names: c.2711A>G, p.Glu904Gly (NM_001081676.2, NM_001081677.2); short protein forms E904G, E953G.
Identifiers: ClinVar variation 999656 (VCV000999656.8), dbSNP rs1687218159, ClinGen allele CA349042353.

ClinVar aggregate classification (germline): Uncertain significance (1 of 4 stars; one submission).

Submission:

Labcorp Genetics (formerly Invitae), Labcorp
Classification: Uncertain significance. Last evaluated: 2020-07-12. Review status: criteria provided, single submitter. Criteria: Invitae Variant Classification Sherloc (09022015). Collection method: clinical testing. Allele origin: germline.
Comment: Algorithms developed to predict the effect of missense changes on protein structure and function are either unavailable or do not agree on the potential impact of this missense change (SIFT: "Deleterious"; PolyPhen-2: "Possibly Damaging"; Align-GVGD: "Class C15"). In summary, the available evidence is currently insufficient to determine the role of this variant in disease. Therefore, it has been classified as a Variant of Uncertain Significance. This variant has not been reported in the literature in individuals with SCN3A-related conditions. This sequence change replaces glutamic acid with glycine at codon 953 of the SCN3A protein (p.Glu953Gly). The glutamic acid residue is highly conserved and there is a moderate physicochemical difference between glutamic acid and glycine. This variant is not present in population databases (ExAC no frequency).